The following is an entry in ClinVar:

NM_000321.3(RB1):c.2231T>G (p.Ile744Ser)

Gene: RB1 (RB transcriptional corepressor 1; plus strand). Cytogenetic location: 13q14.2.
Variant type: single nucleotide variant.
Coding change: c.2231T>G on transcript NM_000321.3 (MANE Select); coding-DNA position 2231, T replaced by G.
Protein change: p.Ile744Ser; replaces isoleucine 744 with serine.
Molecular consequence: missense variant.
Genome position (GRCh38, 1-based): chr13:48,465,017, T>G. VCF-style: chr13-48465017-T-G. GRCh37 (hg19) VCF-style: chr13-49039153-T-G.
Other names: c.2231T>G, p.Ile744Ser (NM_001407165.1); short protein forms I744S.
Identifiers: ClinVar variation 2891136 (VCV002891136.4), dbSNP rs2138344600, ClinGen allele CA388167517.
Genomic context (GRCh38, chr13:48,465,017, plus strand): 5'-ACTTTTTTTTTTTTTTTTTTTTTTTTACTGTTCTTCCTCAGACATTCAAACGTGTTTTGA[T>G]CAAAGAAGAGGAGTATGATTCTATTATAGTATTCTATAACTCGGTCTTCATGCAGAGACT-3'
Protein context (NP_000312.2, residues 734-754): AVQETFKRVL[Ile744Ser]KEEEYDSIIV

ClinVar aggregate classification (germline): Uncertain significance. Review status: criteria provided, multiple submitters, no conflicts (2 of 4 stars). 2 submissions from 2 submitters: Uncertain significance (2). Last evaluated 2024-03-01.

Conditions:
Retinoblastoma (RB1). Also called: RETINOBLASTOMA, SOMATIC. Identifiers: Orphanet 790, MedGen C0035335, MeSH D012175, MONDO:0008380, OMIM 180200, HP:0009919. Disease mechanism: loss of function. Inheritance: Both sporadic and heritable forms are tested..
Malignant tumor of urinary bladder. Also called: Bladder cancer; Urinary Bladder Neoplasms; Urinary bladder cancer. Identifiers: MedGen C0005684, MONDO:0001187, OMIM 109800.

Submissions (2):

Baylor Genetics
Classification: Uncertain significance for Malignant tumor of urinary bladder. Last evaluated: 2024-03-01. Review status: criteria provided, single submitter. Criteria: ACMG Guidelines, 2015. Collection method: clinical testing. Allele origin: unknown.

Labcorp Genetics (formerly Invitae), Labcorp
Classification: Uncertain significance for Retinoblastoma. Last evaluated: 2022-12-05. Review status: criteria provided, single submitter. Criteria: Invitae Variant Classification Sherloc (09022015). Collection method: clinical testing. Allele origin: germline.
Comment: In summary, the available evidence is currently insufficient to determine the role of this variant in disease. Therefore, it has been classified as a Variant of Uncertain Significance. Advanced modeling of protein sequence and biophysical properties (such as structural, functional, and spatial information, amino acid conservation, physicochemical variation, residue mobility, and thermodynamic stability) performed at Invitae indicates that this missense variant is expected to disrupt RB1 protein function. This variant has not been reported in the literature in individuals affected with RB1-related conditions. This variant is not present in population databases (gnomAD no frequency). This sequence change replaces isoleucine, which is neutral and non-polar, with serine, which is neutral and polar, at codon 744 of the RB1 protein (p.Ile744Ser).